The following continues an entry in ClinVar:

NM_007294.4(BRCA1):c.4986+6T>G

Gene: BRCA1. ClinVar aggregate classification (germline): Pathogenic. Pathogenic (1).

Submissions 9 to 22 of 22:

Color Diagnostics, LLC DBA Color Health
Classification: Pathogenic for Hereditary cancer-predisposing syndrome. Last evaluated: 2023-07-07. Review status: criteria provided, single submitter. Criteria: ACMG Guidelines, 2015. Collection method: clinical testing. Allele origin: germline. Not counted in ClinVar's aggregate classification.
Comment: This variant causes a T>G nucleotide substitution at the +6 position of intron 15 of the BRCA1 gene. This variant is also known as 5105+6T>G and IVS16+6T>G in the literature. RNA studies on carrier-derived RNA (PMID: 16619214) and in a mini-gene splicing assay (PMID: 24667779) have found this variant to disrupt splicing in a manner that is expected to result in an absent or non-functional protein product. This variant has been reported to be loss-of-function in a haploid cell proliferation assay (PMID: 30209399). This variant has been reported in individuals with personal and/or family history of breast and ovarian cancer (PMID: 11179017, 16619214, 21913181, 22160602). This variant also has been reported as pathogenic in a multifactorial analysis based in part to segregation and tumor pathology likelihood ratios of 18.9 and 1134.1, respectively (PMID: 31131967). This variant has been identified in 1/249776 chromosomes in the general population by the Genome Aggregation Database (gnomAD). Loss of BRCA1 function is a known mechanism of disease. Based on the available evidence, this variant is classified as Pathogenic.

Revvity Omics, Revvity
Classification: Pathogenic. Last evaluated: 2022-12-14. Review status: criteria provided, single submitter. Criteria: ACMG Guidelines, 2015. Collection method: clinical testing. Allele origin: germline. Not counted in ClinVar's aggregate classification.

Human Genome Sequencing Center Clinical Lab, Baylor College of Medicine
Classification: Pathogenic for Familial breast-ovarian cancer 1. Last evaluated: 2019-02-05. Review status: criteria provided, single submitter. Criteria: ACMG Guidelines, 2015. Collection method: clinical testing. Allele origin: germline. Not counted in ClinVar's aggregate classification.
Comment: This c.4986+6T>G variant in the BRCA1 gene has been reported in multiple individuals affected with breast cancer or ovarian cancer (PMID 11179017, 16619214, 21913181, 22160602) and is extremely rare in general population databases. An RT-PCR assay using mRNA derived from an affected individual showed 65bp insertion, which is predicted to introduce a premature translation termination codon (PMID 16619214). Therefore, the c.4986+6T>G variant in the BRCA1 gene is classified as pathogenic.

CHEO Genetics Diagnostic Laboratory, Children's Hospital of Eastern Ontario
Classification: Pathogenic for Breast and/or ovarian cancer. Last evaluated: 2017-03-08. Review status: criteria provided, single submitter. Criteria: ACMG Guidelines, 2015. Collection method: clinical testing. Allele origin: germline. Study: Canadian Open Genetics Repository. Not counted in ClinVar's aggregate classification.

Consortium of Investigators of Modifiers of BRCA1/2 (CIMBA), c/o University of Cambridge
Classification: Pathogenic for Breast-ovarian cancer, familial, susceptibility to, 1. Last evaluated: 2015-10-02. Review status: criteria provided, single submitter. Criteria: CIMBA Mutation Classification guidelines May 2016. Collection method: clinical testing. Allele origin: germline. Not counted in ClinVar's aggregate classification.

Medical Genetics Laboratory, Umraniye Training and Research Hospital, University of Health Sciences
Classification: Pathogenic for Breast carcinoma. Last evaluated: 2021-08-08. Review status: no assertion criteria provided. Collection method: clinical testing. Allele origin: germline. Inheritance: Autosomal dominant inheritance. Affected: yes. Observed: 1 variant allele, 1 heterozygote. Not counted in ClinVar's aggregate classification.

BRCAlab, Lund University
Classification: Pathogenic for Breast-ovarian cancer, familial, susceptibility to, 1. Last evaluated: 2020-03-02. Review status: no assertion criteria provided. Collection method: clinical testing. Allele origin: germline. Affected: yes. Not counted in ClinVar's aggregate classification.

Counsyl
Classification: Likely pathogenic for Breast-ovarian cancer, familial, susceptibility to, 1. Last evaluated: 2017-07-14. Review status: no assertion criteria provided. Collection method: clinical testing. Allele origin: unknown. Not counted in ClinVar's aggregate classification.

Research Molecular Genetics Laboratory, Women's College Hospital, University of Toronto
Classification: Pathogenic for Hereditary breast ovarian cancer syndrome. Last evaluated: 2014-01-31. Review status: no assertion criteria provided. Collection method: research. Allele origin: germline. Affected: yes. Study: The Canadian Open Genetics Repository (COGR). Not counted in ClinVar's aggregate classification.

Sharing Clinical Reports Project (SCRP)
Classification: Pathogenic for Breast-ovarian cancer, familial 1. Last evaluated: 2012-07-23. Review status: no assertion criteria provided. Collection method: clinical testing. Allele origin: germline. Not counted in ClinVar's aggregate classification.

Breast Cancer Information Core (BIC) (BRCA1)
No classification provided. Condition: Breast-ovarian cancer, familial 1. Review status: no classification provided. Collection method: clinical testing. Allele origin: germline. Affected: yes. Observed: 7 variant alleles. Not counted in ClinVar's aggregate classification.

Brotman Baty Institute, University of Washington
No classification provided (evidence only). Condition: Breast-ovarian cancer, familial 1. Review status: no classification provided. Collection method: in vitro. Allele origin: not applicable. Functional consequence: functionally_abnormal. Not counted in ClinVar's aggregate classification.
ClinVar note: "not provided" was previously submitted as the classification for the variant. However, the classification appeared to be based only on an observation of functional data so it was converted to no classification on 2025-07-30.

Department of Pathology and Laboratory Medicine, Sinai Health System
Classification: Pathogenic for Malignant tumor of breast. Review status: no assertion criteria provided. Collection method: clinical testing. Allele origin: unknown. Affected: yes. Study: The Canadian Open Genetics Repository (COGR). Not counted in ClinVar's aggregate classification.
Comment: The c.4986+6T>G variant has been previously reported in the literature in 1 out of 1298 proband chromosomes, in an individual with ovarian cancer (Risch 2001). The variant has also been identified by our laboratory in one family where the variant was demonstrated to segregate with disease in 5 affected family members with breast cancer, suggesting this variant is pathogenic. In the UMD, BIC and LOVD databases, an intronic mutation at the same genomic location but with a different base alteration (IVS16+16 T>C) was described as being a deleterious mutation that creates an aberrant transcript by activating a cryptic splice donor site. It is listed in the dbSNP database (rs80358086) but no frequency information was provided and so the population frequency could not be assessed. The variant is located in the 5' splice region but does not affect the highly conserved +1 and +2 positions. However, positions +3 to +6 are part of the splicing consensus sequence and variants involving these positions sometimes affect splicing. In summary, based on above information, this variant is classified as pathogenic.

Dr. Peter K. Rogan Lab, Western University
No classification provided (evidence only). Condition: Cervical cancer. Review status: no classification provided. Collection method: in vitro. Allele origin: not applicable. Functional consequence: retained intron. Not counted in ClinVar's aggregate classification.

Literature cited by the submitters: PubMed 31131967 (cited by 4 submitters); PubMed 11179017 (cited by 4 submitters); PubMed 16619214 (cited by 4 submitters); PubMed 21913181 (cited by 4 submitters); PubMed 22160602 (cited by 4 submitters); PubMed 17576681 (cited by Labcorp Genetics (formerly Invitae), Labcorp); PubMed 9536098 (cited by Labcorp Genetics (formerly Invitae), Labcorp); PubMed 24667779 (cited by 5 submitters); PubMed 30209399 (cited by 3 submitters); PubMed 10406662 (cited by Labcorp Genetics (formerly Invitae), Labcorp); PubMed 21120943 (cited by Labcorp Genetics (formerly Invitae), Labcorp); PubMed 21324516 (cited by Labcorp Genetics (formerly Invitae), Labcorp); PubMed 21965345 (cited by Labcorp Genetics (formerly Invitae), Labcorp); PubMed 24729269 (cited by Labcorp Genetics (formerly Invitae), Labcorp); PubMed 23348723 (cited by Ambry Genetics); PubMed 16267036 (cited by Counsyl).